The following is an entry in ClinVar:

NM_000051.4(ATM):c.483G>A (p.Gln161=)

Gene: ATM (ATM serine/threonine kinase; plus strand). Cytogenetic location: 11q22.3.
Variant type: single nucleotide variant.
Coding change: c.483G>A on transcript NM_000051.4 (MANE Select); coding-DNA position 483, G replaced by A.
Protein change: p.Gln161=; no amino-acid change (glutamine 161 retained).
Molecular consequence: synonymous variant.
Genome position (GRCh38, 1-based): chr11:108,235,821, G>A. VCF-style: chr11-108235821-G-A. GRCh37 (hg19) VCF-style: chr11-108106548-G-A.
Other names: c.483G>A, p.Gln161= (NM_001351834.2).
Identifiers: ClinVar variation 490584 (VCV000490584.19), dbSNP rs864622742, ClinGen allele CA476670427.
Genomic context (GRCh38, chr11:108,235,821, plus strand): 5'-TAGCAACATACTACTCAAAGACATTCTTTCTGTGAGAAAATACTGGTGTGAAATATCTCA[G>A]CAACAGTGGTTAGGTATGTTTTGAAGGTTGTTGTTTGTGAATTTTTCCTCATGAAATGAA-3'
Protein context (NP_000042.3, residues 151-171): SVRKYWCEIS[Gln161=]QQWLELFSVY

ClinVar aggregate classification (germline): Benign/Likely benign. Review status: criteria provided, multiple submitters, no conflicts (2 of 4 stars). 5 submissions from 5 submitters: Benign (1); Likely benign (4). Last evaluated 2025-07-31.

Conditions:
Hereditary cancer-predisposing syndrome. Also called: Tumor predisposition; Hereditary Cancer Syndrome; Neoplastic Syndromes, Hereditary; Hereditary neoplastic syndrome. Identifiers: Orphanet 140162, MedGen C0027672, MeSH D009386, MONDO:0015356.
Ataxia-telangiectasia syndrome (AT). Also called: Cerebello-oculocutaneous telangiectasia; Immunodeficiency with ataxia telangiectasia; Ataxia-telangiectasia; Ataxia-telangiectasia, complementation group D; AT, COMPLEMENTATION GROUP C; ATAXIA-TELANGIECTASIA, COMPLEMENTATION GROUP A. Identifiers: Orphanet 100, MedGen C0004135, MONDO:0008840, OMIM 208900.
Familial cancer of breast. Also called: hereditary breast carcinoma; Hereditary breast cancer; BREAST CANCER, FAMILIAL. Identifiers: Orphanet 227535, MedGen C0346153, MONDO:0016419, OMIM 114480. Disease mechanism: loss of function.

Allele frequency attached by ClinVar (database versions not stated): gnomAD exomes below 0.00001.
gnomAD v4.1: 1 of 1,613,770 alleles (0.000062%); highest among the groups gnomAD compares: Middle Eastern, 0.017%; no homozygotes.

Submissions (5):

Labcorp Genetics (formerly Invitae), Labcorp
Classification: Likely benign for Ataxia-telangiectasia syndrome. Last evaluated: 2025-07-31. Review status: criteria provided, single submitter. Criteria: Invitae Variant Classification Sherloc (09022015). Collection method: clinical testing. Allele origin: germline.

Myriad Genetics, Inc.
Classification: Benign for Familial cancer of breast. Last evaluated: 2024-04-19. Review status: criteria provided, single submitter. Criteria: Myriad Autosomal Dominant, Autosomal Recessive and X-Linked Classification Criteria (2023). Collection method: clinical testing. Allele origin: unknown.
Comment: This variant is considered benign. This variant is a silent/synonymous amino acid change and it is not expected to impact splicing.

Blueprint Genetics
Classification: Likely benign. Last evaluated: 2023-10-02. Review status: criteria provided, single submitter. Criteria: ACMG Guidelines, 2015. Collection method: clinical testing. Allele origin: germline.

Ambry Genetics
Classification: Likely benign for Hereditary cancer-predisposing syndrome. Last evaluated: 2020-02-28. Review status: criteria provided, single submitter. Criteria: Ambry Variant Classification Scheme 2023. Collection method: clinical testing. Allele origin: germline.

Color Diagnostics, LLC DBA Color Health
Classification: Likely benign for Hereditary cancer-predisposing syndrome. Last evaluated: 2017-01-03. Review status: criteria provided, single submitter. Criteria: ACMG Guidelines, 2015. Collection method: clinical testing. Allele origin: germline.